The following is an entry in ClinVar:

ClinVar aggregate classification (germline): Uncertain significance. Review status: criteria provided, multiple submitters, no conflicts (2 of 4 stars). 7 submissions from 7 submitters: Uncertain significance (7). Last evaluated 2025-12-20.

Conditions:
Arrhythmogenic cardiomyopathy with wooly hair and keratoderma. Also called: PALMOPLANTAR KERATODERMA WITH LEFT VENTRICULAR CARDIOMYOPATHY AND WOOLLY HAIR; Arrhythmogenic cardiomyopathy with woolly hair and keratoderma; Carvajal syndrome; Dilated cardiomyopathy with woolly hair and keratoderma. Identifiers: Orphanet 65282, MedGen C1854063, MONDO:0011581, OMIM 605676.
Arrhythmogenic right ventricular dysplasia 8 (ARVD8). Also called: Arrhythmogenic Right Ventricular Dysplasia/Cardiomyopathy 8; ARRHYTHMOGENIC RIGHT VENTRICULAR DYSPLASIA, FAMILIAL, 8; ARRHYTHMOGENIC RIGHT VENTRICULAR CARDIOMYOPATHY 8. Identifiers: MedGen C1843896, MONDO:0011831, OMIM 607450.
Cardiovascular phenotype. Identifiers: MedGen CN230736.
Keratosis palmoplantaris striata 2. Also called: Keratosis palmoplantaris striata II; KERATODERMA, PALMOPLANTAR, STRIATE FORM II; STRIATE PALMOPLANTAR KERATODERMA II. Identifiers: MedGen C1852127, MONDO:0013034, OMIM 612908.
Woolly hair-skin fragility syndrome (WHSF). Identifiers: Orphanet 293165, MedGen C1843292, MONDO:0957307, OMIM 620415.
Lethal acantholytic epidermolysis bullosa (EBLA). Identifiers: Orphanet 158687, MedGen C1864826, MONDO:0012323, OMIM 609638.
Cardiomyopathy, dilated, with wooly hair, keratoderma, and tooth agenesis. Also called: Cardiomyopathy, dilated, with woolly hair, keratoderma, and tooth agenesis; Erythrokeratodermia-cardiomyopathy syndrome. Identifiers: Orphanet 476096, Orphanet 65282, MedGen C4014393, MONDO:0014355, OMIM 615821.
Cardiomyopathy (CMYO). Also called: Cardiomyopathies. Identifiers: Orphanet 167848, MedGen C0878544, MONDO:0004994, HP:0001638. Inheritance: Various modes of inheritance.

Allele frequency attached by ClinVar (database versions not stated): TOPMed below 0.00001; gnomAD 0.00001; gnomAD exomes 0.00001.
gnomAD v4.1: 12 of 1,614,038 alleles (0.00074%); highest among the groups gnomAD compares: South Asian, 0.0011%; no homozygotes.

Submissions (7):

Labcorp Genetics (formerly Invitae), Labcorp
Classification: Uncertain significance for Arrhythmogenic cardiomyopathy with wooly hair and keratoderma; Arrhythmogenic right ventricular dysplasia 8. Last evaluated: 2025-12-20. Review status: criteria provided, single submitter. Criteria: Invitae Variant Classification Sherloc (09022015). Collection method: clinical testing. Allele origin: germline.
Comment: This sequence change replaces glycine, which is neutral and non-polar, with serine, which is neutral and polar, at codon 2678 of the DSP protein (p.Gly2678Ser). The frequency data for this variant in the population databases is considered unreliable, as metrics indicate poor data quality at this position in the gnomAD database. This variant has not been reported in the literature in individuals affected with DSP-related conditions. ClinVar contains an entry for this variant (Variation ID: 840597). An algorithm developed to predict the effect of missense changes on protein structure and function (PolyPhen-2) suggests that this variant is likely to be disruptive. In summary, the available evidence is currently insufficient to determine the role of this variant in disease. Therefore, it has been classified as a Variant of Uncertain Significance.

Ambry Genetics
Classification: Uncertain significance for Cardiovascular phenotype. Last evaluated: 2025-11-13. Review status: criteria provided, single submitter. Criteria: Ambry Variant Classification Scheme 2023. Collection method: clinical testing. Allele origin: germline.
Comment: The p.G2678S variant (also known as c.8032G>A), located in coding exon 24 of the DSP gene, results from a G to A substitution at nucleotide position 8032. The glycine at codon 2678 is replaced by serine, an amino acid with similar properties. This amino acid position is conserved. In addition, this alteration is predicted to be deleterious by in silico analysis. Since supporting evidence is limited at this time, the clinical significance of this alteration remains unclear.

Molecular Diagnostic Laboratory for Inherited Cardiovascular Disease, Montreal Heart Institute
Classification: Uncertain significance for Cardiovascular phenotype. Last evaluated: 2025-02-17. Review status: criteria provided, single submitter. Criteria: ACMG Guidelines, 2015. Collection method: clinical testing. Allele origin: germline. Affected: yes.

Blueprint Genetics
Classification: Uncertain significance. Last evaluated: 2024-07-08. Review status: criteria provided, single submitter. Criteria: ACMG Guidelines, 2015. Collection method: clinical testing. Allele origin: germline.

Color Diagnostics, LLC DBA Color Health
Classification: Uncertain significance for Cardiomyopathy. Last evaluated: 2024-03-06. Review status: criteria provided, single submitter. Criteria: ACMG Guidelines, 2015. Collection method: clinical testing. Allele origin: germline.
Comment: This missense variant replaces glycine with serine at codon 2678 of the DSP protein. Computational prediction suggests that this variant may have deleterious impact on protein structure and function (internally defined REVEL score threshold >= 0.7, PMID: 27666373). To our knowledge, functional studies have not been reported for this variant. This variant has not been reported in individuals affected with DSP-related disorders in the literature. This variant has not been identified in the general population by the Genome Aggregation Database (gnomAD). The available evidence is insufficient to determine the role of this variant in disease conclusively. Therefore, this variant is classified as a Variant of Uncertain Significance.

All of Us Research Program, National Institutes of Health
Classification: Uncertain significance for Arrhythmogenic cardiomyopathy with wooly hair and keratoderma. Last evaluated: 2023-09-17. Review status: criteria provided, single submitter. Criteria: ACMG Guidelines, 2015. Collection method: clinical testing. Allele origin: germline. Inheritance: Autosomal dominant inheritance. Observed: 6 variant alleles, 6 heterozygotes.
Comment: This missense variant replaces glycine with serine at codon 2678 of the DSP protein. Computational prediction suggests that this variant may have deleterious impact on protein structure and function (internally defined REVEL score threshold >= 0.7, PMID: 27666373). To our knowledge, functional studies have not been reported for this variant. This variant has not been reported in individuals affected with DSP-related disorders in the literature. This variant has not been identified in the general population by the Genome Aggregation Database (gnomAD). The available evidence is insufficient to determine the role of this variant in disease conclusively. Therefore, this variant is classified as a Variant of Uncertain Significance.

This study involves interpretation of variants in research participants for the purpose of population health screening. Participant phenotype was not available at the time of variant classification. Additional details can be found in publication PMID: 35346344, PMCID: PMC8962531

Fulgent Genetics
Classification: Uncertain significance for Arrhythmogenic cardiomyopathy with wooly hair and keratoderma; Arrhythmogenic right ventricular dysplasia 8; Lethal acantholytic epidermolysis bullosa; Keratosis palmoplantaris striata 2; Cardiomyopathy, dilated, with wooly hair, keratoderma, and tooth agenesis. Last evaluated: 2021-08-11. Review status: criteria provided, single submitter. Criteria: ACMG Guidelines, 2015. Collection method: clinical testing. Allele origin: unknown.

NM_004415.4(DSP):c.8032G>A (p.Gly2678Ser)

Gene: DSP (desmoplakin; plus strand). Cytogenetic location: 6p24.3.
Variant type: single nucleotide variant.
Coding change: c.8032G>A on transcript NM_004415.4 (MANE Select); coding-DNA position 8032, G replaced by A.
Protein change: p.Gly2678Ser; replaces glycine 2678 with serine.
Molecular consequence: missense variant.
Genome position (GRCh38, 1-based): chr6:7,585,294, G>A. VCF-style: chr6-7585294-G-A. GRCh37 (hg19) VCF-style: chr6-7585527-G-A.
Other names: c.8032G>A (NM_004415.3); c.6235G>A, p.Gly2079Ser (NM_001008844.3); c.6703G>A, p.Gly2235Ser (NM_001319034.2); short protein forms G2235S, G2678S, G2079S.
Identifiers: ClinVar variation 840597 (VCV000840597.20), dbSNP rs1371748682, ClinGen allele CA362694291.